The following is an entry in ClinVar:

NM_001277115.2(DNAH11):c.11761G>T (p.Glu3921Ter)

Gene: DNAH11 (dynein axonemal heavy chain 11; plus strand). Cytogenetic location: 7p15.3.
Variant type: single nucleotide variant.
Coding change: c.11761G>T on transcript NM_001277115.2 (MANE Select); coding-DNA position 11761, G replaced by T.
Protein change: p.Glu3921Ter; replaces glutamic acid 3921 with a stop codon.
Molecular consequence: nonsense.
Genome position (GRCh38, 1-based): chr7:21,867,929, G>T. VCF-style: chr7-21867929-G-T. GRCh37 (hg19) VCF-style: chr7-21907547-G-T.
Other names: c.11782G>T, p.Glu3928Ter (NM_003777.3); short protein forms E3921*, E3928*.
Identifiers: ClinVar variation 2731209 (VCV002731209.3), dbSNP rs774963422, ClinGen allele CA366962406.

ClinVar aggregate classification (germline): Pathogenic (1 of 4 stars; one submission).

Conditions:
Primary ciliary dyskinesia. Also called: Ciliary dyskinesia. Identifiers: Orphanet 244, MedGen C0008780, MONDO:0016575, HP:0012265.

Submission:

Labcorp Genetics (formerly Invitae), Labcorp
Classification: Pathogenic for Primary ciliary dyskinesia. Last evaluated: 2023-06-27. Review status: criteria provided, single submitter. Criteria: Invitae Variant Classification Sherloc (09022015). Collection method: clinical testing. Allele origin: germline.
Comment: For these reasons, this variant has been classified as Pathogenic. This variant has not been reported in the literature in individuals affected with DNAH11-related conditions. This variant is not present in population databases (gnomAD no frequency). This sequence change creates a premature translational stop signal (p.Glu3921*) in the DNAH11 gene. It is expected to result in an absent or disrupted protein product. Loss-of-function variants in DNAH11 are known to be pathogenic (PMID: 18022865, 20513915, 22184204).

Literature cited by the submitters: PubMed 18022865; PubMed 20513915; PubMed 22184204.